The following is an entry in ClinVar:

ClinVar aggregate classification (germline): Uncertain significance (1 of 4 stars; one submission).

Submission:

CeGaT Center for Human Genetics Tuebingen
Classification: Uncertain significance. Last evaluated: 2026-07-01. Review status: criteria provided, single submitter. Criteria: CeGaT Center For Human Genetics Tuebingen Variant Classification Criteria Version 2. Collection method: clinical testing. Allele origin: germline. Affected: yes. Observed: 1 variant allele.
Comment: HDAC9: PM2, BP4

NM_178425.4(HDAC9):c.1850C>G (p.Ala617Gly)

Gene: HDAC9 (histone deacetylase 9; plus strand). Cytogenetic location: 7p21.1.
Variant type: single nucleotide variant.
Coding change: c.1850C>G on transcript NM_178425.4 (MANE Select); coding-DNA position 1850, C replaced by G.
Protein change: p.Ala617Gly; replaces alanine 617 with glycine.
Molecular consequence: missense variant.
Genome position (GRCh38, 1-based): chr7:18,727,698, C>G. VCF-style: chr7-18727698-C-G. GRCh37 (hg19) VCF-style: chr7-18767321-C-G.
Other names: c.1775C>G, p.Ala592Gly (NM_001321868.2); c.1718C>G, p.Ala573Gly (NM_001321877.2, NM_001321897.2); c.1841C>G, p.Ala614Gly (NM_058176.2, NM_178423.3); short protein forms A573G, A592G, A614G, A617G.
Identifiers: ClinVar variation 5040438 (VCV005040438.1).